The following is an entry in ClinVar:

NM_181882.3(PRX):c.2374G>T (p.Ala792Ser)

Gene: PRX (periaxin; minus strand). Cytogenetic location: 19q13.2.
Variant type: single nucleotide variant.
Coding change: c.2374G>T on transcript NM_181882.3 (MANE Select); coding-DNA position 2374, G replaced by T.
Protein change: p.Ala792Ser; replaces alanine 792 with serine.
Molecular consequence: missense variant. On other transcripts: 3 prime UTR variant (1).
Genome position (GRCh38, 1-based): chr19:40,395,978, C>A on the plus strand (G>T on the coding strand, the complement: PRX is on the minus strand). VCF-style: chr19-40395978-C-A. GRCh37 (hg19) VCF-style: chr19-40901885-C-A.
Other names: c.2659G>T, p.Ala887Ser (NM_001411127.1); c.*2579G>T (NM_020956.2); short protein forms A792S, A887S.
Identifiers: ClinVar variation 3015293 (VCV003015293.3), dbSNP rs2514803517, ClinGen allele CA405896428.
Genomic context (GRCh38, chr19:40,395,978, plus strand): 5'-CCCTCCCTAGCTTGGGCATGGTCATCTTGGGCATCTTGAAGCCAAATTCCATCCCTTCTG[C>A]CTGTTCTGCCTTGGTGGCCTTTAGCTGCACCTCCGGAGCCCTGGGCAGCTTCACCTCTGG-3'
Protein context (NP_870998.2, residues 782-802): VQLKATKAEQ[Ala792Ser]EGMEFGFKMP

ClinVar aggregate classification (germline): Uncertain significance (1 of 4 stars; one submission).

Conditions:
Charcot-Marie-Tooth disease type 4. Also called: Charcot-Marie-Tooth disease, type IV; Charcot-Marie-Tooth, Type 4. Identifiers: Orphanet 64749, MedGen C4082197, MONDO:0018995.

Submission:

Labcorp Genetics (formerly Invitae), Labcorp
Classification: Uncertain significance for Charcot-Marie-Tooth disease type 4. Last evaluated: 2022-11-08. Review status: criteria provided, single submitter. Criteria: Invitae Variant Classification Sherloc (09022015). Collection method: clinical testing. Allele origin: germline.
Comment: This sequence change replaces alanine, which is neutral and non-polar, with serine, which is neutral and polar, at codon 792 of the PRX protein (p.Ala792Ser). This variant is not present in population databases (gnomAD no frequency). This variant has not been reported in the literature in individuals affected with PRX-related conditions. Advanced modeling of protein sequence and biophysical properties (such as structural, functional, and spatial information, amino acid conservation, physicochemical variation, residue mobility, and thermodynamic stability) has been performed at Invitae for this missense variant, however the output from this modeling did not meet the statistical confidence thresholds required to predict the impact of this variant on PRX protein function. In summary, the available evidence is currently insufficient to determine the role of this variant in disease. Therefore, it has been classified as a Variant of Uncertain Significance.